The following is an entry in ClinVar:

ClinVar aggregate classification (germline): Conflicting classifications of pathogenicity. Review status: criteria provided, conflicting classifications (1 of 4 stars). 2 submissions from 2 submitters: Uncertain significance (1); Likely benign (1). Last evaluated 2025-07-02.

Allele frequency attached by ClinVar (database versions not stated): ExAC 0.00003; TOPMed 0.00003; gnomAD 0.00004; gnomAD exomes 0.00007; 1000 Genomes Project 30x 0.00016; 1000 Genomes Project 0.00020.
gnomAD v4.1: 76 of 1,613,384 alleles (0.0047%); highest among the groups gnomAD compares: East Asian, 0.022%; 1 homozygote.

Submissions (2):

Women's Health and Genetics/Laboratory Corporation of America, LabCorp
Classification: Uncertain significance. Last evaluated: 2025-07-02. Review status: criteria provided, single submitter. Criteria: LabCorp Variant Classification Summary - May 2015. Collection method: clinical testing. Allele origin: germline.
Comment: Variant summary: ACTG1 c.*18G>A is located in the untranslated mRNA region downstream of the termination codon. The variant allele was found at a frequency of 6.8e-05 in 251292 control chromosomes in the gnomAD database, including 1 homozygote. This frequency is not significantly higher than estimated for a pathogenic variant in ACTG1 causing ACTG1-Related Disorders, allowing no conclusion about variant significance. To our knowledge, no occurrence of c.*18G>A in individuals affected with ACTG1-Related Disorders and no experimental evidence demonstrating its impact on protein function have been reported. ClinVar contains an entry for this variant (Variation ID: 379406). Based on the evidence outlined above, the variant was classified as uncertain significance.

GeneDx
Classification: Likely benign. Last evaluated: 2016-09-06. Review status: criteria provided, single submitter. Criteria: GeneDx Variant Classification (06012015). Collection method: clinical testing. Allele origin: germline. Affected: yes.
Comment: This variant is considered likely benign or benign based on one or more of the following criteria: it is a conservative change, it occurs at a poorly conserved position in the protein, it is predicted to be benign by multiple in silico algorithms, and/or has population frequency not consistent with disease.

NM_001614.5(ACTG1):c.*18G>A

Gene: ACTG1 (actin gamma 1; minus strand). Cytogenetic location: 17q25.3.
Variant type: single nucleotide variant.
Coding change: c.*18G>A on transcript NM_001614.5 (MANE Select); 18 bases downstream of the stop codon, G replaced by A.
Molecular consequence: 3 prime UTR variant. On other transcripts: non-coding transcript variant (1).
Genome position (GRCh38, 1-based): chr17:81,510,672, C>T on the plus strand (G>A on the coding strand, the complement: ACTG1 is on the minus strand). VCF-style: chr17-81510672-C-T. GRCh37 (hg19) VCF-style: chr17-79477698-C-T.
Other names: c.*18G>A (NM_001199954.3).
Identifiers: ClinVar variation 379406 (VCV000379406.3), dbSNP rs567869370, ClinGen allele CA8835809.